The following is an entry in ClinVar:

NM_004525.3(LRP2):c.298C>A (p.Arg100Ser)

Gene: LRP2 (LDL receptor related protein 2; minus strand). Cytogenetic location: 2q31.1.
Variant type: single nucleotide variant.
Coding change: c.298C>A on transcript NM_004525.3 (MANE Select); coding-DNA position 298, C replaced by A.
Protein change: p.Arg100Ser; replaces arginine 100 with serine.
Molecular consequence: missense variant.
Genome position (GRCh38, 1-based): chr2:169,318,774, G>T on the plus strand (C>A on the coding strand, the complement: LRP2 is on the minus strand). VCF-style: chr2-169318774-G-T. GRCh37 (hg19) VCF-style: chr2-170175284-G-T.
Other names: c.298C>A (NM_004525.2); short protein forms R100S.
Identifiers: ClinVar variation 1002825 (VCV001002825.7), dbSNP rs138682237, ClinGen allele CA1955941.

ClinVar aggregate classification (germline): Uncertain significance. Review status: criteria provided, multiple submitters, no conflicts (2 of 4 stars). 2 submissions from 2 submitters: Uncertain significance (2). Last evaluated 2023-03-02.

Conditions:
Inborn genetic diseases. Identifiers: MedGen C0950123, MeSH D030342.

Allele frequency attached by ClinVar (database versions not stated): ESP Exome Variant Server 0.00015; TOPMed 0.00014; ExAC 0.00002; gnomAD exomes 0.00002.
gnomAD v4.1: 19 of 1,613,974 alleles (0.0012%); highest among the groups gnomAD compares: African/African-American, 0.024%; no homozygotes.

Submissions (2):

Ambry Genetics
Classification: Uncertain significance for Inborn genetic diseases. Last evaluated: 2023-03-02. Review status: criteria provided, single submitter. Criteria: Ambry Variant Classification Scheme 2023. Collection method: clinical testing. Allele origin: germline.

Labcorp Genetics (formerly Invitae), Labcorp
Classification: Uncertain significance. Last evaluated: 2022-07-06. Review status: criteria provided, single submitter. Criteria: Invitae Variant Classification Sherloc (09022015). Collection method: clinical testing. Allele origin: germline.
Comment: This sequence change replaces arginine, which is basic and polar, with serine, which is neutral and polar, at codon 100 of the LRP2 protein (p.Arg100Ser). This variant is present in population databases (rs138682237, gnomAD 0.03%). This variant has not been reported in the literature in individuals affected with LRP2-related conditions. ClinVar contains an entry for this variant (Variation ID: 1002825). Advanced modeling of protein sequence and biophysical properties (such as structural, functional, and spatial information, amino acid conservation, physicochemical variation, residue mobility, and thermodynamic stability) performed at Invitae indicates that this missense variant is not expected to disrupt LRP2 protein function. In summary, the available evidence is currently insufficient to determine the role of this variant in disease. Therefore, it has been classified as a Variant of Uncertain Significance.